The following is an entry in ClinVar:

NM_001378328.1(CELSR1):c.1210G>A (p.Glu404Lys)

Gene: CELSR1 (cadherin EGF LAG seven-pass G-type receptor 1; minus strand). Cytogenetic location: 22q13.31.
Variant type: single nucleotide variant.
Coding change: c.1210G>A on transcript NM_001378328.1 (MANE Select); coding-DNA position 1210, G replaced by A.
Protein change: p.Glu404Lys; replaces glutamic acid 404 with lysine.
Molecular consequence: missense variant.
Genome position (GRCh38, 1-based): chr22:46,535,961, C>T on the plus strand (G>A on the coding strand, the complement: CELSR1 is on the minus strand). VCF-style: chr22-46535961-C-T. GRCh37 (hg19) VCF-style: chr22-46931858-C-T.
Other names: c.1210G>A, p.Glu404Lys (NM_014246.4); c.1210G>A (NM_014246.1); short protein forms E404K.
Identifiers: ClinVar variation 986390 (VCV000986390.2), dbSNP rs201107590, ClinGen allele CA10295517.
Genomic context (GRCh38, chr22:46,535,961, plus strand): 5'-GGTACTCGGCCGCCTCCTCCCGGTCCAGCACCGCCCGTGTGCTCACCACGCCAGAGCTCT[C>T]GTTGAGCTGGAAGACGTCCCACGCGCCCCCCAACACGCGGTAACGCAAGTTGGCGTTGAT-3'
Protein context (NP_001365257.1, residues 394-414): GGAWDVFQLN[Glu404Lys]SSGVVSTRAV

ClinVar aggregate classification (germline): Uncertain significance. Review status: criteria provided, multiple submitters, no conflicts (2 of 4 stars). 3 submissions from 3 submitters: Uncertain significance (3). Last evaluated 2025-07-03.

Conditions:
Walker-Warburg congenital muscular dystrophy. Also called: Muscular dystrophy-dystroglycanopathy, type A; Walker-Warburg syndrome. Identifiers: Orphanet 899, MedGen C0265221, MONDO:0000171.
Severe NDD, epilepsy.

Allele frequency attached by ClinVar (database versions not stated): gnomAD exomes 0.00014 and 0.00026; gnomAD 0.00031 and 0.00032; ESP Exome Variant Server 0.00008; TOPMed 0.00023; ExAC 0.00011; 1000 Genomes Project 0.00020; 1000 Genomes Project 30x 0.00031.
gnomAD v4.1: 427 of 1,610,308 alleles (0.027%); highest among the groups gnomAD compares: Non-Finnish European, 0.034%; no homozygotes.

Submissions (3):

Genetics and Personalized Medicine, Danish Epilepsy Center
Classification: Uncertain significance for Severe NDD, epilepsy. Last evaluated: 2025-07-03. Review status: criteria provided, single submitter. Criteria: ACMG Guidelines, 2015. Collection method: clinical testing. Allele origin: maternal. Inheritance: Autosomal recessive inheritance. Affected: yes.

Ambry Genetics
Classification: Uncertain significance. Last evaluated: 2023-12-26. Review status: criteria provided, single submitter. Criteria: Ambry Variant Classification Scheme 2023. Collection method: clinical testing. Allele origin: germline.

Broad Center for Mendelian Genomics, Broad Institute of MIT and Harvard
Classification: Uncertain significance for Walker-Warburg congenital muscular dystrophy. Last evaluated: 2020-11-16. Review status: criteria provided, single submitter. Criteria: ACMG Guidelines, 2015. Collection method: curation. Allele origin: germline. Inheritance: Autosomal recessive inheritance.
Comment: The variant has not been previously reported in individuals with Walker-Warburg syndrome but has been identified in 0.04% (55/126242) of European non-Finnish chromosomes by the Genome Aggregation Database (gnomAD; dbSNP ID: rs201107590). Although this variant has been seen in the general population, its frequency is not high enough to rule out a pathogenic role. Computational prediction tools, including splice predictors, and conservation analyses suggest that this variant may not impact the protein, though this information is not predictive enough to rule out pathogenicity. Finally, although this gene has been reported in association with Walker-Warburg syndrome, it currently has limited evidence for these associations. In summary, while the clinical significance of the p.Glu404Lys variant is uncertain, these data suggest that it is more likely to be benign. ACMG/AMP Criteria applied: BP4 (Richards 2015).